The following is an entry in ClinVar:

ClinVar aggregate classification (germline): Uncertain significance (1 of 4 stars; one submission).

Allele frequency attached by ClinVar (database versions not stated): gnomAD 0.00001; TOPMed 0.00001; ESP Exome Variant Server 0.00008.
gnomAD v4.1: 2 of 1,613,864 alleles (0.00012%); highest among the groups gnomAD compares: African/African-American, 0.0027%; no homozygotes.

Submission:

Labcorp Genetics (formerly Invitae), Labcorp
Classification: Uncertain significance. Last evaluated: 2024-03-11. Review status: criteria provided, single submitter. Criteria: Invitae Variant Classification Sherloc (09022015). Collection method: clinical testing. Allele origin: germline.
Comment: This sequence change replaces histidine, which is basic and polar, with tyrosine, which is neutral and polar, at codon 182 of the FZD4 protein (p.His182Tyr). The frequency data for this variant in the population databases is considered unreliable, as metrics indicate poor data quality at this position in the gnomAD database. This variant has not been reported in the literature in individuals affected with FZD4-related conditions. Advanced modeling of protein sequence and biophysical properties (such as structural, functional, and spatial information, amino acid conservation, physicochemical variation, residue mobility, and thermodynamic stability) performed at Invitae indicates that this missense variant is not expected to disrupt FZD4 protein function with a negative predictive value of 80%. In summary, the available evidence is currently insufficient to determine the role of this variant in disease. Therefore, it has been classified as a Variant of Uncertain Significance.

NM_012193.4(FZD4):c.544C>T (p.His182Tyr)

Genes: FZD4 (frizzled class receptor 4; minus strand), PRSS23 (serine protease 23; plus strand). Cytogenetic location: 11q14.2.
Variant type: single nucleotide variant.
Coding change: c.544C>T on transcript NM_012193.4 (MANE Select); coding-DNA position 544, C replaced by T.
Protein change: p.His182Tyr; replaces histidine 182 with tyrosine.
Molecular consequence: missense variant. On other transcripts: non-coding transcript variant (2).
Genome position (GRCh38, 1-based): chr11:86,952,212, G>A on the plus strand (C>T on the coding strand, the complement: FZD4 is on the minus strand). VCF-style: chr11-86952212-G-A. GRCh37 (hg19) VCF-style: chr11-86663254-G-A.
Other names: short protein forms H182Y.
Identifiers: ClinVar variation 3021159 (VCV003021159.3), dbSNP rs375951704, ClinGen allele CA225381473.